The following is an entry in ClinVar:

ClinVar aggregate classification (germline): Uncertain significance (1 of 4 stars; one submission).

Allele frequency attached by ClinVar (database versions not stated): gnomAD exomes 0.00001; ExAC 0.00001.
gnomAD v4.1: 2 of 1,612,882 alleles (0.00012%); highest among the groups gnomAD compares: South Asian, 0.0011%; no homozygotes.

Submission:

GeneDx
Classification: Uncertain significance. Last evaluated: 2016-01-07. Review status: criteria provided, single submitter. Criteria: GeneDx Variant Classification (06012015). Collection method: clinical testing. Allele origin: germline. Affected: yes.
Comment: The S313L variant has not been published as a pathogenic variant, nor has it been reported as a benign variant to ourknowledge. The S313L variant was not observed in approximately 6,500 individuals of European andAfrican American ancestry in the NHLBI Exome Sequencing Project, indicating it is not a commonbenign variant in these populations. The S313L variant is a non-conservative amino acid substitution,which is likely to impact secondary protein structure as these residues differ in polarity, charge, sizeand/or other properties. However, this substitution occurs at a position that is not conserved acrossspecies. Consequently, in silico analysis is inconsistent in its predictions as to whether or not thevariant is damaging to the protein structure/function. Finally, no missense variants in nearby residueshave been reported in the Human Gene Mutation Database in association with NKX2-5-relateddisorders (Stenson et al., 2014), indicating that this region of the gene is not known to harbor disease-causingvariants.

NM_004387.4(NKX2-5):c.938C>T (p.Ser313Leu)

Gene: NKX2-5 (NK2 homeobox 5; minus strand). Cytogenetic location: 5q35.1.
Variant type: single nucleotide variant.
Coding change: c.938C>T on transcript NM_004387.4 (MANE Select); coding-DNA position 938, C replaced by T.
Protein change: p.Ser313Leu; replaces serine 313 with leucine.
Molecular consequence: missense variant. On other transcripts: 3 prime UTR variant (2).
Genome position (GRCh38, 1-based): chr5:173,232,606, G>A on the plus strand (C>T on the coding strand, the complement: NKX2-5 is on the minus strand). VCF-style: chr5-173232606-G-A. GRCh37 (hg19) VCF-style: chr5-172659609-G-A.
Other names: c.*891C>T (NM_001166175.2); c.*737C>T (NM_001166176.2); short protein forms S313L.
Identifiers: ClinVar variation 234754 (VCV000234754.2), dbSNP rs769930017, ClinGen allele CA3563595.